The following is an entry in ClinVar:

ClinVar aggregate classification (germline): Uncertain significance (1 of 4 stars; one submission).

gnomAD v4.1: 10 of 1,608,632 alleles (0.00062%); highest among the groups gnomAD compares: Non-Finnish European, 0.00085%; no homozygotes.

Submission:

Labcorp Genetics (formerly Invitae), Labcorp
Classification: Uncertain significance. Last evaluated: 2026-01-25. Review status: criteria provided, single submitter. Criteria: Invitae Variant Classification Sherloc (09022015). Collection method: clinical testing. Allele origin: germline.
Comment: This sequence change replaces serine, which is neutral and polar, with phenylalanine, which is neutral and non-polar, at codon 196 of the GATA5 protein (p.Ser196Phe). The frequency data for this variant in the population databases is considered unreliable, as metrics indicate poor data quality at this position in the gnomAD database. This variant has not been reported in the literature in individuals affected with GATA5-related conditions. Invitae Evidence Modeling of protein sequence and biophysical properties (such as structural, functional, and spatial information, amino acid conservation, physicochemical variation, residue mobility, and thermodynamic stability) indicates that this missense variant is expected to disrupt GATA5 protein function with a positive predictive value of 80%. In summary, the available evidence is currently insufficient to determine the role of this variant in disease. Therefore, it has been classified as a Variant of Uncertain Significance.

NM_080473.5(GATA5):c.587C>T (p.Ser196Phe)

Gene: GATA5 (GATA binding protein 5; minus strand). Cytogenetic location: 20q13.33.
Variant type: single nucleotide variant.
Coding change: c.587C>T on transcript NM_080473.5 (MANE Select); coding-DNA position 587, C replaced by T.
Protein change: p.Ser196Phe; replaces serine 196 with phenylalanine.
Molecular consequence: missense variant.
Genome position (GRCh38, 1-based): chr20:62,473,515, G>A on the plus strand (C>T on the coding strand, the complement: GATA5 is on the minus strand). VCF-style: chr20-62473515-G-A. GRCh37 (hg19) VCF-style: chr20-61048571-G-A.
Other names: short protein forms S196F.
Identifiers: ClinVar variation 4743716 (VCV004743716.1).